The following is an entry in ClinVar:

ClinVar aggregate classification (germline): Uncertain significance (1 of 4 stars; one submission).

Conditions:
Inborn genetic diseases. Identifiers: MedGen C0950123, MeSH D030342.

Allele frequency attached by ClinVar (database versions not stated): gnomAD exomes below 0.00001.

Submission:

Ambry Genetics
Classification: Uncertain significance for Inborn genetic diseases. Last evaluated: 2023-01-10. Review status: criteria provided, single submitter. Criteria: Ambry Variant Classification Scheme 2023. Collection method: clinical testing. Allele origin: germline.
Comment: The c.200A>C (p.E67A) alteration is located in exon 1 (coding exon 1) of the KCNC3 gene. This alteration results from a A to C substitution at nucleotide position 200, causing the glutamic acid (E) at amino acid position 67 to be replaced by an alanine (A). The p.E67A alteration is predicted to be tolerated by in silico analysis. Based on insufficient or conflicting evidence, the clinical significance of this alteration remains unclear.

NM_004977.3(KCNC3):c.200A>C (p.Glu67Ala)

Gene: KCNC3 (potassium voltage-gated channel subfamily C member 3; minus strand). Cytogenetic location: 19q13.33.
Variant type: single nucleotide variant.
Coding change: c.200A>C on transcript NM_004977.3 (MANE Select); coding-DNA position 200, A replaced by C.
Protein change: p.Glu67Ala; replaces glutamic acid 67 with alanine.
Molecular consequence: missense variant. On other transcripts: 5 prime UTR variant (1).
Genome position (GRCh38, 1-based): chr19:50,328,883, T>G on the plus strand (A>C on the coding strand, the complement: KCNC3 is on the minus strand). VCF-style: chr19-50328883-T-G. GRCh37 (hg19) VCF-style: chr19-50832140-T-G.
Other names: c.-29A>C (NM_001372305.1); short protein forms E67A.
Identifiers: ClinVar variation 2382066 (VCV002382066.3), dbSNP rs2037141987, ClinGen allele CA406956412.
Genomic context (GRCh38, chr19:50,328,883, plus strand): 5'-CTGTCGCCACCGCCGCCGCCGTGCCGCCCCATGGCCGCCGCCGGCAGCCCGGGGCATGGC[T>G]CGGCGCGCCGGTCCCCGGGCCCGCGGGGTGCCGGGGGGCCCGCCGGGGACGCGGCGGGGC-3'
Protein context (NP_004968.2, residues 57-77): APRGPGDRRA[Glu67Ala]PCPGLPAAAM